The following is an entry in ClinVar:

ClinVar aggregate classification (germline): Uncertain significance (1 of 4 stars; one submission).

Conditions:
Familial thoracic aortic aneurysm and aortic dissection (TAAD). Also called: Thoracic aortic aneurysms and dissections. Identifiers: Orphanet 91387, MedGen C4707243, MONDO:0019625.

Allele frequency attached by ClinVar (database versions not stated): gnomAD exomes below 0.00001; TOPMed below 0.00001; gnomAD 0.00001.
gnomAD v4.1: 3 of 1,613,970 alleles (0.00019%); highest among the groups gnomAD compares: Non-Finnish European, 0.00025%; no homozygotes.

Submission:

Color Diagnostics, LLC DBA Color Health
Classification: Uncertain significance for Familial thoracic aortic aneurysm and aortic dissection. Last evaluated: 2025-11-17. Review status: criteria provided, single submitter. Criteria: ACMG Guidelines, 2015. Collection method: clinical testing. Allele origin: germline.
Comment: This missense variant replaces histidine with tyrosine at codon 2579 of the FBN1 protein. Computational prediction is inconclusive regarding the impact of this variant on protein structure and function. To our knowledge, functional studies have not been reported for this variant. This variant has not been reported in individuals affected with cardiovascular disorders in the literature. This variant has not been identified in the general population by the Genome Aggregation Database (gnomAD). The available evidence is insufficient to determine the role of this variant in disease conclusively. Therefore, this variant is classified as a Variant of Uncertain Significance.

NM_000138.5(FBN1):c.7735C>T (p.His2579Tyr)

Gene: FBN1 (fibrillin 1; minus strand). Cytogenetic location: 15q21.1.
Variant type: single nucleotide variant.
Coding change: c.7735C>T on transcript NM_000138.5 (MANE Select); coding-DNA position 7735, C replaced by T.
Protein change: p.His2579Tyr; replaces histidine 2579 with tyrosine.
Molecular consequence: missense variant.
Genome position (GRCh38, 1-based): chr15:48,420,771, G>A on the plus strand (C>T on the coding strand, the complement: FBN1 is on the minus strand). VCF-style: chr15-48420771-G-A. GRCh37 (hg19) VCF-style: chr15-48712968-G-A.
Other names: short protein forms H2579Y.
Identifiers: ClinVar variation 1171695 (VCV001171695.4), dbSNP rs1483255856, ClinGen allele CA392324772.